The following is an entry in ClinVar:

NM_001130987.2(DYSF):c.4331A>C (p.Glu1444Ala)

Gene: DYSF (dysferlin; plus strand). Cytogenetic location: 2p13.2.
Variant type: single nucleotide variant.
Coding change: c.4331A>C on transcript NM_001130987.2 (MANE Select); coding-DNA position 4331, A replaced by C.
Protein change: p.Glu1444Ala; replaces glutamic acid 1444 with alanine.
Molecular consequence: missense variant.
Genome position (GRCh38, 1-based): chr2:71,612,750, A>C. VCF-style: chr2-71612750-A-C. GRCh37 (hg19) VCF-style: chr2-71839880-A-C.
Other names: c.4280A>C, p.Glu1427Ala (NM_001130455.2, NM_001130983.2); c.4235A>C, p.Glu1412Ala (NM_001130976.2, NM_001130977.2); c.4277A>C, p.Glu1426Ala (NM_001130978.2, NM_003494.4); c.4370A>C, p.Glu1457Ala (NM_001130979.2); c.4328A>C, p.Glu1443Ala (NM_001130980.2, NM_001130981.2); c.4373A>C, p.Glu1458Ala (NM_001130982.2); c.4238A>C, p.Glu1413Ala (NM_001130984.2, NM_001130986.2); c.4331A>C, p.Glu1444Ala (NM_001130985.2); short protein forms E1426A, E1412A, E1427A, E1443A, E1444A, E1413A, E1457A, E1458A.
Identifiers: ClinVar variation 1963631 (VCV001963631.2), dbSNP rs1343983523, ClinGen allele CA347229386.
Genomic context (GRCh38, chr2:71,612,750, plus strand): 5'-TCGATAACCGCCAGTTTGGCCGCCGGCCTGTGGTGGGCCAGTGTACCATCCGCTCCCTGG[A>C]GAGCTTCCTGTGTGACCCCTACTCGGCGGAGAGTCCATCCCCACAGGGTGGCCCAGGTAG-3'
Protein context (NP_001124459.1, residues 1434-1454): VVGQCTIRSL[Glu1444Ala]SFLCDPYSAE

ClinVar aggregate classification (germline): Uncertain significance (1 of 4 stars; one submission).

Conditions:
Neuromuscular disease caused by qualitative or quantitative defects of dysferlin. Also called: Dysferlinopathy; Qualitative or quantitative defects of dysferlin. Identifiers: Orphanet 207073, MedGen C2931687, MONDO:0016145.

Allele frequency attached by ClinVar (database versions not stated): TOPMed below 0.00001; gnomAD 0.00001.
gnomAD v4.1: 1 of 1,614,042 alleles (0.000062%); highest among the groups gnomAD compares: Non-Finnish European, 0.000085%; no homozygotes.

Submission:

Labcorp Genetics (formerly Invitae), Labcorp
Classification: Uncertain significance for Neuromuscular disease caused by qualitative or quantitative defects of dysferlin. Last evaluated: 2022-05-21. Review status: criteria provided, single submitter. Criteria: Invitae Variant Classification Sherloc (09022015). Collection method: clinical testing. Allele origin: germline.
Comment: This sequence change replaces glutamic acid, which is acidic and polar, with alanine, which is neutral and non-polar, at codon 1426 of the DYSF protein (p.Glu1426Ala). This variant is not present in population databases (gnomAD no frequency). This variant has not been reported in the literature in individuals affected with DYSF-related conditions. Advanced modeling of protein sequence and biophysical properties (such as structural, functional, and spatial information, amino acid conservation, physicochemical variation, residue mobility, and thermodynamic stability) performed at Invitae indicates that this missense variant is not expected to disrupt DYSF protein function. In summary, the available evidence is currently insufficient to determine the role of this variant in disease. Therefore, it has been classified as a Variant of Uncertain Significance.